The following is an entry in ClinVar:

ClinVar aggregate classification (germline): Uncertain significance. Review status: criteria provided, multiple submitters, no conflicts (2 of 4 stars). 3 submissions from 3 submitters: Uncertain significance (2). 1 of the submissions does not count toward it. Last evaluated 2025-07-12.

Conditions:
Hereditary cancer-predisposing syndrome. Also called: Tumor predisposition; Hereditary Cancer Syndrome; Neoplastic Syndromes, Hereditary; Hereditary neoplastic syndrome. Identifiers: Orphanet 140162, MedGen C0027672, MeSH D009386, MONDO:0015356.
Ataxia-telangiectasia syndrome (AT). Also called: Cerebello-oculocutaneous telangiectasia; Immunodeficiency with ataxia telangiectasia; Ataxia-telangiectasia, complementation group D; AT, COMPLEMENTATION GROUP C; Ataxia-telangiectasia, complementation group E; LOUIS-BAR SYNDROME. Identifiers: Orphanet 100, MedGen C0004135, MONDO:0008840, OMIM 208900.

Submissions (3):

Ambry Genetics
Classification: Uncertain significance for Hereditary cancer-predisposing syndrome. Last evaluated: 2025-07-12. Review status: criteria provided, single submitter. Criteria: Ambry Variant Classification Scheme 2023. Collection method: clinical testing. Allele origin: germline.
Comment: The p.K106N variant (also known as c.318A>C), located in coding exon 3 of the ATM gene, results from an A to C substitution at nucleotide position 318. The lysine at codon 106 is replaced by asparagine, an amino acid with similar properties. This amino acid position is poorly conserved in available vertebrate species. In addition, this alteration is predicted to be tolerated by in silico analysis. Since supporting evidence is limited at this time, the clinical significance of this alteration remains unclear.

Labcorp Genetics (formerly Invitae), Labcorp
Classification: Uncertain significance for Ataxia-telangiectasia syndrome. Last evaluated: 2024-09-23. Review status: criteria provided, single submitter. Criteria: Invitae Variant Classification Sherloc (09022015). Collection method: clinical testing. Allele origin: germline.
Comment: This sequence change replaces lysine, which is basic and polar, with asparagine, which is neutral and polar, at codon 106 of the ATM protein (p.Lys106Asn). This variant is not present in population databases (gnomAD no frequency). This variant has not been reported in the literature in individuals affected with ATM-related conditions. ClinVar contains an entry for this variant (Variation ID: 453450). Invitae Evidence Modeling of protein sequence and biophysical properties (such as structural, functional, and spatial information, amino acid conservation, physicochemical variation, residue mobility, and thermodynamic stability) indicates that this missense variant is not expected to disrupt ATM protein function with a negative predictive value of 95%. In summary, the available evidence is currently insufficient to determine the role of this variant in disease. Therefore, it has been classified as a Variant of Uncertain Significance.

Counsyl
Classification: Uncertain significance for Ataxia-telangiectasia syndrome. Last evaluated: 2018-05-01. Review status: no assertion criteria provided. Collection method: clinical testing. Allele origin: unknown. Not counted in ClinVar's aggregate classification.

NM_000051.4(ATM):c.318A>C (p.Lys106Asn)

Gene: ATM (ATM serine/threonine kinase; plus strand). Cytogenetic location: 11q22.3.
Variant type: single nucleotide variant.
Coding change: c.318A>C on transcript NM_000051.4 (MANE Select); coding-DNA position 318, A replaced by C.
Protein change: p.Lys106Asn; replaces lysine 106 with asparagine.
Molecular consequence: missense variant.
Genome position (GRCh38, 1-based): chr11:108,229,310, A>C. VCF-style: chr11-108229310-A-C. GRCh37 (hg19) VCF-style: chr11-108100037-A-C.
Other names: c.318A>C, p.Lys106Asn (NM_001351834.2, NM_001351835.2, NM_001351836.2); short protein forms K106N.
Identifiers: ClinVar variation 453450 (VCV000453450.11), dbSNP rs1555055319, ClinGen allele CA382521778.